The following is an entry in ClinVar:

NM_000548.5(TSC2):c.4863dup (p.Ala1622fs)

Gene: TSC2 (TSC complex subunit 2; plus strand). Cytogenetic location: 16p13.3.
Variant type: Duplication.
Coding change: c.4863dup on transcript NM_000548.5 (MANE Select); coding-DNA position 4863, one base duplicated (C; older notation c.4863dupC).
Protein change: p.Ala1622fs; shifts the reading frame from alanine 1622.
Molecular consequence: frameshift variant. On other transcripts: non-coding transcript variant (4).
Genome position (GRCh38, 1-based): chr16:2,086,745, C duplicated. VCF-style (leftmost placement, unchanged base first): chr16-2086744-T-TC. GRCh37 (hg19) VCF-style: chr16-2136745-T-TC.
Other names: c.4662dup, p.Ala1555fs (NM_001077183.3); c.4794dup, p.Ala1599fs (NM_001114382.3); c.4554dup, p.Ala1519fs (NM_001318827.2); c.4518dup, p.Ala1507fs (NM_001318829.2); c.4131dup, p.Ala1378fs (NM_001318831.2); c.4695dup, p.Ala1566fs (NM_001318832.2); c.4665dup, p.Ala1556fs (NM_001363528.2); c.4731dup, p.Ala1578fs (NM_001370404.1); and 26 more; short protein forms A1107fs, A1108fs, A1378fs, A1402fs, A1506fs, A1550fs, A1585fs, A1586fs.
Identifiers: ClinVar variation 4294424 (VCV004294424.1).
Genomic context (GRCh38, chr16:2,086,744, plus strand): 5'-GGCCTCAGCACTGGCCCCACAAACCCATCCGGCCCTGCTCACCCTCAGCCGTCTTCCACA[T>TC]CGCCACCCTGATGCCCACCAAGGACGTGGACAAGCACCGCTGCGACAAGAAGCGCCACCT-3'

ClinVar aggregate classification (germline): Likely pathogenic (1 of 4 stars; one submission).

Conditions:
Tuberous sclerosis 2 (TSC2). Identifiers: Orphanet 805, MedGen C1860707, MONDO:0013199, OMIM 613254.

Submission:

Molecular Genetics Department, Kulakov National Medical Research Center for Obstetrics, Gynecology and Perinatology
Classification: Likely pathogenic for Tuberous sclerosis 2. Review status: criteria provided, single submitter. Criteria: ACMG Guidelines, 2015. Collection method: clinical testing. Allele origin: de novo. Affected: yes. Observed: 1 variant allele.
Comment: A previously undescribed heterozygous nucleotide variant creates a frameshift p.Ala1622ArgfsTer31 in the TSC2 gene. Heterozygous variants are reported in patients with tuberous sclerosis-2, 613254. The variant is not present in population database (gnomAD no frequency). Sanger sequencing revealed that the variant arose de novo (parentage confirmed). In summary, this variant has been classified as pathogenic.